The following is an entry in ClinVar:

NM_000169.3(GLA):c.1012G>T (p.Glu338Ter)

Genes: GLA (galactosidase alpha; minus strand), RPL36A-HNRNPH2 (RPL36A-HNRNPH2 readthrough; plus strand). Cytogenetic location: Xq22.1.
Variant type: single nucleotide variant.
Coding change: c.1012G>T on transcript NM_000169.3 (MANE Select); coding-DNA position 1012, G replaced by T.
Protein change: p.Glu338Ter; replaces glutamic acid 338 with a stop codon.
Molecular consequence: nonsense. On other transcripts: non-coding transcript variant (3), intron variant (2).
Genome position (GRCh38, 1-based): chrX:101,398,087, C>A on the plus strand (G>T on the coding strand, the complement: GLA is on the minus strand). VCF-style: chrX-101398087-C-A. GRCh37 (hg19) VCF-style: chrX-100653075-C-A.
Other names: c.1135G>T, p.Glu379Ter (NM_001406747.1); c.300+2630C>A (NM_001199973.2); c.177+6265C>A (NM_001199974.2); short protein forms E338*, E379*.
Identifiers: ClinVar variation 4087189 (VCV004087189.2).

ClinVar aggregate classification (germline): Pathogenic (1 of 4 stars; one submission).

Conditions:
Fabry disease. Also called: ALPHA-GALACTOSIDASE A DEFICIENCY; ANDERSON-FABRY DISEASE; CERAMIDE TRIHEXOSIDASE DEFICIENCY; GLA DEFICIENCY; HEREDITARY DYSTOPIC LIPIDOSIS; Angiokeratoma corporis diffusum. Identifiers: Orphanet 324, MedGen C0002986, MONDO:0010526, OMIM 301500, HP:0001071. Disease mechanism: Fabry disease is due to inactivating mutations in the X-linked GLA gene resulting in deficiency of the enzyme Alpha Galactosidase-A., loss of function.

Submission:

Genomenon, Inc
Classification: Pathogenic for Fabry disease. Last evaluated: 2026-09-08. Review status: criteria provided, single submitter. Criteria: Genomenon Sequence Variant Interpretation Standards - Updated. Collection method: curation. Allele origin: germline. Affected: yes.
Comment: GLA p.Glu338Ter (c.1012G>T) is a nonsense variant that introduces a premature stop codon at amino acid position 338 and is predicted to result in a truncated or absent protein product. This variant has been observed in at least one proband with clinical features consistent with Fabry disease (PMID:37940383;16595074;17224688). Functional or patient cell studies have been reported (PMID:16595074). It is absent or not present at a significant frequency in gnomAD. In conclusion, we classify GLA p.Glu338Ter (c.1012G>T) as a pathogenic variant.

Literature cited by the submitters: PubMed 37940383; PubMed 16595074; PubMed 17224688.